The following is an entry in ClinVar:

NM_016824.5(ADD3):c.854G>A (p.Ser285Asn)

Gene: ADD3 (adducin 3; plus strand). Cytogenetic location: 10q25.2.
Variant type: single nucleotide variant.
Coding change: c.854G>A on transcript NM_016824.5 (MANE Select); coding-DNA position 854, G replaced by A.
Protein change: p.Ser285Asn; replaces serine 285 with asparagine.
Molecular consequence: missense variant.
Genome position (GRCh38, 1-based): chr10:110,119,347, G>A. VCF-style: chr10-110119347-G-A. GRCh37 (hg19) VCF-style: chr10-111879105-G-A.
Other names: c.854G>A, p.Ser285Asn (NM_001121.4, NM_001320591.2, NM_001320592.2 and 2 more transcripts); c.620G>A, p.Ser207Asn (NM_001320594.2); short protein forms S207N, S285N.
Identifiers: ClinVar variation 2003413 (VCV002003413.4), dbSNP rs2496008334, ClinGen allele CA378368500.

ClinVar aggregate classification (germline): Uncertain significance (1 of 4 stars; one submission).

Submission:

Labcorp Genetics (formerly Invitae), Labcorp
Classification: Uncertain significance. Last evaluated: 2022-06-08. Review status: criteria provided, single submitter. Criteria: Invitae Variant Classification Sherloc (09022015). Collection method: clinical testing. Allele origin: germline.
Comment: In summary, the available evidence is currently insufficient to determine the role of this variant in disease. Therefore, it has been classified as a Variant of Uncertain Significance. Algorithms developed to predict the effect of missense changes on protein structure and function are either unavailable or do not agree on the potential impact of this missense change (SIFT: "Not Available"; PolyPhen-2: "Benign"; Align-GVGD: "Not Available"). This variant has not been reported in the literature in individuals affected with ADD3-related conditions. This variant is not present in population databases (gnomAD no frequency). This sequence change replaces serine, which is neutral and polar, with asparagine, which is neutral and polar, at codon 285 of the ADD3 protein (p.Ser285Asn).